The following is an entry in ClinVar:

ClinVar aggregate classification (germline): Uncertain significance (1 of 4 stars; one submission).

Allele frequency attached by ClinVar (database versions not stated): gnomAD exomes below 0.00001 and 0.00001; ExAC 0.00001.
gnomAD v4.1: 3 of 1,614,036 alleles (0.00019%); highest among the groups gnomAD compares: Admixed American, 0.0017%; no homozygotes.

Submission:

Labcorp Genetics (formerly Invitae), Labcorp
Classification: Uncertain significance. Last evaluated: 2022-10-13. Review status: criteria provided, single submitter. Criteria: Invitae Variant Classification Sherloc (09022015). Collection method: clinical testing. Allele origin: germline.
Comment: In summary, the available evidence is currently insufficient to determine the role of this variant in disease. Therefore, it has been classified as a Variant of Uncertain Significance. Experimental studies and prediction algorithms are not available or were not evaluated, and the functional significance of this variant is currently unknown. ClinVar contains an entry for this variant (Variation ID: 1051400). This variant has not been reported in the literature in individuals affected with BEST1-related conditions. This variant is present in population databases (rs779295905, gnomAD 0.003%). This sequence change creates a premature translational stop signal (p.Trp575*) in the BEST1 gene. While this is not anticipated to result in nonsense mediated decay, it is expected to disrupt the last 11 amino acid(s) of the BEST1 protein.

NM_004183.4(BEST1):c.1725G>A (p.Trp575Ter)

Gene: BEST1 (bestrophin 1; plus strand). Cytogenetic location: 11q12.3.
Variant type: single nucleotide variant.
Coding change: c.1725G>A on transcript NM_004183.4 (MANE Select); coding-DNA position 1725, G replaced by A.
Protein change: p.Trp575Ter; replaces tryptophan 575 with a stop codon.
Molecular consequence: nonsense. On other transcripts: non-coding transcript variant (1).
Genome position (GRCh38, 1-based): chr11:61,962,879, G>A. VCF-style: chr11-61962879-G-A. GRCh37 (hg19) VCF-style: chr11-61730351-G-A.
Other names: c.1545G>A, p.Trp515Ter (NM_001139443.3, NM_001300787.2); c.1464G>A, p.Trp488Ter (NM_001300786.2); c.1407G>A, p.Trp469Ter (NM_001363591.3); c.*620G>A (NM_001363592.2); c.753G>A, p.Trp251Ter (NM_001363593.3); short protein forms W251*, W469*, W488*, W515*, W575*.
Identifiers: ClinVar variation 1051400 (VCV001051400.7), dbSNP rs779295905, ClinGen allele CA6041109.